The following is an entry in ClinVar:

ClinVar aggregate classification (germline): Likely benign. Review status: criteria provided, multiple submitters, no conflicts (2 of 4 stars). 4 submissions from 4 submitters: Likely benign (2). 2 of the submissions do not count toward it. Last evaluated 2025-11-01.

Submissions (4):

CeGaT Center for Human Genetics Tuebingen
Classification: Likely benign. Last evaluated: 2025-11-01. Review status: criteria provided, single submitter. Criteria: CeGaT Center For Human Genetics Tuebingen Variant Classification Criteria Version 2. Collection method: clinical testing. Allele origin: germline. Affected: yes. Observed: 3 variant alleles.
Comment: GNAL: BS1

Blueprint Genetics
Classification: Likely benign. Last evaluated: 2024-10-14. Review status: criteria provided, single submitter. Criteria: ACMG Guidelines, 2015. Collection method: clinical testing. Allele origin: germline.

Clinical Genetics DNA and cytogenetics Diagnostics Lab, Erasmus MC, Erasmus Medical Center
Classification: Uncertain significance. Review status: no assertion criteria provided. Collection method: clinical testing. Allele origin: germline. Affected: yes. Study: VKGL Data-share Consensus. Not counted in ClinVar's aggregate classification.

Diagnostic Laboratory, Department of Genetics, University Medical Center Groningen
Classification: Uncertain significance. Review status: no assertion criteria provided. Collection method: clinical testing. Allele origin: germline. Affected: yes. Study: VKGL Data-share Consensus. Not counted in ClinVar's aggregate classification.

NM_182978.4(GNAL):c.266_283dup (p.Ala89_Ala94dup)

Gene: GNAL (G protein subunit alpha L; plus strand). Cytogenetic location: 18p11.21.
Variant type: Duplication.
Coding change: c.266_283dup on transcript NM_182978.4 (MANE Select); coding-DNA positions 266 to 283, 18 bases duplicated (CCAAGGAGCGCGAGGCGG).
Protein change: p.Ala89_Ala94dup.
Molecular consequence: inframe insertion.
Genome position (GRCh38, 1-based): chr18:11,689,829-11,689,846, CCAAGGAGCGCGAGGCGG duplicated; duplicating any 18 consecutive bases within chr18:11,689,814-11,689,846 gives the same sequence; the c. name uses the placement nearest the transcript's 3' end. VCF-style (leftmost placement, unchanged base first): chr18-11689813-G-GAGGAGCGCGAGGCGGCCA. GRCh37 (hg19) VCF-style: chr18-11689812-G-GAGGAGCGCGAGGCGGCCA.
Identifiers: ClinVar variation 1299265 (VCV001299265.26), dbSNP rs750891634, ClinGen allele CA8893786.